The following is an entry in ClinVar:

ClinVar aggregate classification (germline): Pathogenic. Review status: criteria provided, multiple submitters, no conflicts (2 of 4 stars). 2 submissions from 2 submitters: Pathogenic (2). Last evaluated 2024-10-01.

Submissions (2):

CeGaT Center for Human Genetics Tuebingen
Classification: Pathogenic. Last evaluated: 2024-10-01. Review status: criteria provided, single submitter. Criteria: CeGaT Center For Human Genetics Tuebingen Variant Classification Criteria Version 2. Collection method: clinical testing. Allele origin: germline. Affected: yes. Observed: 1 variant allele.
Comment: CD3E: PVS1, PM2, PM3

GeneDx
Classification: Pathogenic. Last evaluated: 2023-10-25. Review status: criteria provided, single submitter. Criteria: GeneDx Variant Classification Process June 2021. Collection method: clinical testing. Allele origin: germline. Affected: yes.
Comment: Reported in the homozygous state in unrelated patients with primary immunodeficiency in published literature (Platt et al., 2021); clinical details not provided; Frameshift variant predicted to result in protein truncation or nonsense mediated decay in a gene for which loss of function is a known mechanism of disease; Not observed at significant frequency in large population cohorts (gnomAD); This variant is associated with the following publications: (PMID: 31589898, 32445296, 28597365, 32888943)

NM_000733.4(CD3E):c.173del (p.Leu58fs)

Gene: CD3E (CD3 epsilon subunit of T-cell receptor complex; plus strand). Cytogenetic location: 11q23.3.
Variant type: Deletion.
Coding change: c.173del on transcript NM_000733.4 (MANE Select); coding-DNA position 173, one base deleted (T; older notation c.173delT).
Protein change: p.Leu58fs; shifts the reading frame from leucine 58.
Molecular consequence: frameshift variant.
Genome position (GRCh38, 1-based): chr11:118,312,687, T deleted. VCF-style (leftmost placement, unchanged base first): chr11-118312686-CT-C. GRCh37 (hg19) VCF-style: chr11-118183401-CT-C.
Other names: c.173delT, p.Leu58Hisfs (NM_000733.3); short protein forms L58fs.
Identifiers: ClinVar variation 3340358 (VCV003340358.15).